The following is an entry in ClinVar:

ClinVar aggregate classification (germline): Uncertain significance (1 of 4 stars; one submission).

Conditions:
Joubert syndrome. Also called: JOUBERT-BOLTSHAUSER SYNDROME; Familial aplasia of the vermis. Identifiers: Orphanet 475, MedGen C5979921, MONDO:0018772.
Meckel-Gruber syndrome. Also called: DYSENCEPHALIA SPLANCHNOCYSTICA; GRUBER SYNDROME; Dysencephalia splachnocystica. Identifiers: Orphanet 564, MedGen C0265215, MONDO:0018921.

gnomAD v4.1: 1 of 1,551,482 alleles (0.000064%); highest among the groups gnomAD compares: Non-Finnish European, 0.000087%; no homozygotes.

Submission:

Labcorp Genetics (formerly Invitae), Labcorp
Classification: Uncertain significance for Joubert syndrome; Meckel-Gruber syndrome. Last evaluated: 2024-04-24. Review status: criteria provided, single submitter. Criteria: Invitae Variant Classification Sherloc (09022015). Collection method: clinical testing. Allele origin: germline.
Comment: This sequence change replaces glutamic acid, which is acidic and polar, with glycine, which is neutral and non-polar, at codon 1223 of the CC2D2A protein (p.Glu1223Gly). This variant is not present in population databases (gnomAD no frequency). This variant has not been reported in the literature in individuals affected with CC2D2A-related conditions. Advanced modeling of protein sequence and biophysical properties (such as structural, functional, and spatial information, amino acid conservation, physicochemical variation, residue mobility, and thermodynamic stability) has been performed at Invitae for this missense variant, however the output from this modeling did not meet the statistical confidence thresholds required to predict the impact of this variant on CC2D2A protein function. In summary, the available evidence is currently insufficient to determine the role of this variant in disease. Therefore, it has been classified as a Variant of Uncertain Significance.

NM_001378615.1(CC2D2A):c.3668A>G (p.Glu1223Gly)

Genes: CC2D2A (coiled-coil and C2 domain containing 2A; plus strand), FBXL5 (F-box and leucine rich repeat protein 5; minus strand). Cytogenetic location: 4p15.32.
Variant type: single nucleotide variant.
Coding change: c.3668A>G on transcript NM_001378615.1 (MANE Select); coding-DNA position 3668, A replaced by G.
Protein change: p.Glu1223Gly; replaces glutamic acid 1223 with glycine.
Molecular consequence: missense variant.
Genome position (GRCh38, 1-based): chr4:15,574,223, A>G. VCF-style: chr4-15574223-A-G. GRCh37 (hg19) VCF-style: chr4-15575846-A-G.
Other names: c.3668A>G, p.Glu1223Gly (NM_001080522.2); c.3521A>G, p.Glu1174Gly (NM_001378617.1); short protein forms E1174G, E1223G.
Identifiers: ClinVar variation 3754177 (VCV003754177.2).